The following is an entry in ClinVar:

NM_001903.5(CTNNA1):c.2204C>T (p.Pro735Leu)

Gene: CTNNA1 (catenin alpha 1; plus strand). Cytogenetic location: 5q31.2.
Variant type: single nucleotide variant.
Coding change: c.2204C>T on transcript NM_001903.5 (MANE Select); coding-DNA position 2204, C replaced by T.
Protein change: p.Pro735Leu; replaces proline 735 with leucine.
Molecular consequence: missense variant.
Genome position (GRCh38, 1-based): chr5:138,930,841, C>T. VCF-style: chr5-138930841-C-T. GRCh37 (hg19) VCF-style: chr5-138266530-C-T.
Other names: c.1094C>T, p.Pro365Leu (NM_001323988.1, NM_001323989.1, NM_001323990.1 and 17 more transcripts); c.755C>T, p.Pro252Leu (NM_001324006.1, NM_001324007.1, NM_001324008.1 and 2 more transcripts); c.1001C>T, p.Pro334Leu (NM_001324011.1); c.851C>T, p.Pro284Leu (NM_001324012.1, NM_001324013.1); c.2204C>T, p.Pro735Leu (NM_001290307.3, NM_001323982.2, NM_001323983.1 and 2 more transcripts); c.1895C>T, p.Pro632Leu (NM_001290309.3); c.1835C>T, p.Pro612Leu (NM_001290310.3); c.2111C>T, p.Pro704Leu (NM_001323986.2); short protein forms P612L, P284L, P632L, P334L, P365L, P704L, P252L, P735L.
Identifiers: ClinVar variation 2625473 (VCV002625473.2), dbSNP rs1022043882, ClinGen allele CA361133769.

ClinVar aggregate classification (germline): Uncertain significance (1 of 4 stars; one submission).

Conditions:
Hereditary cancer-predisposing syndrome. Also called: Tumor predisposition; Hereditary Cancer Syndrome; Hereditary neoplastic syndrome; Neoplastic Syndromes, Hereditary. Identifiers: Orphanet 140162, MedGen C0027672, MeSH D009386, MONDO:0015356.

Submission:

Ambry Genetics
Classification: Uncertain significance for Hereditary cancer-predisposing syndrome. Last evaluated: 2023-06-21. Review status: criteria provided, single submitter. Criteria: Ambry Variant Classification Scheme 2023. Collection method: clinical testing. Allele origin: germline.
Comment: The p.P735L variant (also known as c.2204C>T), located in coding exon 15 of the CTNNA1 gene, results from a C to T substitution at nucleotide position 2204. The proline at codon 735 is replaced by leucine, an amino acid with similar properties. This amino acid position is conserved. In addition, this alteration is predicted to be deleterious by in silico analysis. Since supporting evidence is limited at this time, the clinical significance of this alteration remains unclear.